The following is an entry in ClinVar:

ClinVar aggregate classification (germline): Uncertain significance. Review status: criteria provided, multiple submitters, no conflicts (2 of 4 stars). 2 submissions from 2 submitters: Uncertain significance (2). Last evaluated 2024-02-22.

Conditions:
Ataxia-pancytopenia syndrome (ATXPC). Also called: SAMD9L-Related Syndrome; SAMD9L Ataxia-Pancytopenia Syndrome. Identifiers: Orphanet 2585, MedGen C1327919, MONDO:0008038, OMIM 159550.
Monosomy 7 myelodysplasia and leukemia syndrome 1. Also called: Familial Mosaic Monosomy 7 Syndrome; CHROMOSOME 7q DELETION; Monosomy 7 of bone marrow. Identifiers: MedGen C1854978, MONDO:0009646, OMIM 252270.
Spinocerebellar ataxia 49 (SCA49). Identifiers: Orphanet 631106, MedGen C5676950, MONDO:0030805, OMIM 619806.

Submissions (2):

Fulgent Genetics
Classification: Uncertain significance for Ataxia-pancytopenia syndrome; Monosomy 7 myelodysplasia and leukemia syndrome 1; Spinocerebellar ataxia 49. Last evaluated: 2024-02-22. Review status: criteria provided, single submitter. Criteria: ACMG Guidelines, 2015. Collection method: clinical testing. Allele origin: germline.

Labcorp Genetics (formerly Invitae), Labcorp
Classification: Uncertain significance. Last evaluated: 2021-02-17. Review status: criteria provided, single submitter. Criteria: Invitae Variant Classification Sherloc (09022015). Collection method: clinical testing. Allele origin: germline.
Comment: This sequence change replaces leucine with methionine at codon 653 of the SAMD9L protein (p.Leu653Met). The leucine residue is weakly conserved and there is a small physicochemical difference between leucine and methionine. This variant is not present in population databases (ExAC no frequency). This variant has not been reported in the literature in individuals with SAMD9L-related conditions. Algorithms developed to predict the effect of missense changes on protein structure and function output the following: SIFT: "Not Available"; PolyPhen-2: "Benign"; Align-GVGD: "Not Available". The methionine amino acid residue is found in multiple mammalian species, suggesting that this missense change does not adversely affect protein function. These predictions have not been confirmed by published functional studies and their clinical significance is uncertain. In summary, the available evidence is currently insufficient to determine the role of this variant in disease. Therefore, it has been classified as a Variant of Uncertain Significance.

NM_152703.5(SAMD9L):c.1957T>A (p.Leu653Met)

Gene: SAMD9L (sterile alpha motif domain containing 9 like; minus strand). Cytogenetic location: 7q21.2.
Variant type: single nucleotide variant.
Coding change: c.1957T>A on transcript NM_152703.5 (MANE Select); coding-DNA position 1957, T replaced by A.
Protein change: p.Leu653Met; replaces leucine 653 with methionine.
Molecular consequence: missense variant.
Genome position (GRCh38, 1-based): chr7:93,134,015, A>T on the plus strand (T>A on the coding strand, the complement: SAMD9L is on the minus strand). VCF-style: chr7-93134015-A-T. GRCh37 (hg19) VCF-style: chr7-92763328-A-T.
Other names: c.1957T>A, p.Leu653Met (NM_001303496.3, NM_001303497.3, NM_001303498.3 and 5 more transcripts); short protein forms L653M.
Identifiers: ClinVar variation 1410128 (VCV001410128.7), dbSNP rs2116491956, ClinGen allele CA368193856.
Genomic context (GRCh38, chr7:93,134,015, plus strand): 5'-TGTCTTTCTCGATGTCTGTCTCTGTACACTCATTTTCACAGAGGATTTCCAGTGCAGTCA[A>T]GACATCCTCTTTCTTTTTCTCTAGGATAACTGAAGAAGATCCACGGGCGGGCAAAAACCT-3'
Protein context (NP_689916.2, residues 643-663): VILEKKKEDV[Leu653Met]TALEILCENE